The following is an entry in ClinVar:

ClinVar aggregate classification (germline): Likely benign. Review status: criteria provided, single submitter (1 of 4 stars). 2 submissions from 2 submitters: Likely benign (1). 1 of the submissions does not count toward it. Last evaluated 2024-11-21.

Conditions:
SLC34A3-related disorder. Also called: SLC34A3-related condition.

Submissions (2):

Blueprint Genetics
Classification: Likely benign. Last evaluated: 2024-11-21. Review status: criteria provided, single submitter. Criteria: ACMG Guidelines, 2015. Collection method: clinical testing. Allele origin: germline.

PreventionGenetics, part of Exact Sciences
Classification: Likely benign for SLC34A3-related condition. Last evaluated: 2020-08-24. Review status: no assertion criteria provided. Collection method: clinical testing. Allele origin: germline. Not counted in ClinVar's aggregate classification.
Comment: This variant is classified as likely benign based on ACMG/AMP sequence variant interpretation guidelines (Richards et al. 2015 PMID: 25741868, with internal and published modifications).

NM_001177316.2(SLC34A3):c.925+20A>C

Gene: SLC34A3 (solute carrier family 34 member 3; plus strand). Cytogenetic location: 9q34.3.
Variant type: single nucleotide variant.
Coding change: c.925+20A>C on transcript NM_001177316.2 (MANE Select); 20 bases into the intron after coding-DNA position 925, A replaced by C.
Molecular consequence: intron variant.
Genome position (GRCh38, 1-based): chr9:137,233,961, A>C. VCF-style: chr9-137233961-A-C. GRCh37 (hg19) VCF-style: chr9-140128413-A-C.
Other names: c.925+20A>C (NM_001177317.2, NM_080877.3).
Identifiers: ClinVar variation 3052574 (VCV003052574.3), dbSNP rs1250507476, ClinGen allele CA591373920.